The following is an entry in ClinVar:

ClinVar aggregate classification (germline): Pathogenic (3 of 4 stars; one submission).

Conditions:
Creatine transporter deficiency (CCDS1). Also called: Mental retardation , X-linked with seizures, short stature and midface hypoplasia; Mental retardation , X-linked, with creatine transport deficiency; X-linked creatine transporter deficiency; X-linked creatine deficiency syndrome; SLC6A8-Related Creatine Transporter Deficiency; CREATINE TRANSPORTER DEFECT. Identifiers: Orphanet 52503, MedGen C1845862, MONDO:0010305, OMIM 300352.

Submission:

ClinGen Cerebral Creatine Deficiency Syndromes Variant Curation Expert Panel, ClinGen
Classification: Pathogenic for Creatine transporter deficiency. Last evaluated: 2024-03-25. Review status: reviewed by expert panel. Criteria: ClinGen_CCDS_ACMG_Specifications_SLC6A8_v1.1. Collection method: curation. Allele origin: germline. Inheritance: X-linked inheritance.
Comment: The NM_005629.4:c.1372_1375del variant in SLC6A8 is frameshift variant predicted to cause a premature stop codon in biologically relevant exon 9/13 leading to nonsense mediated decay in a gene in which loss of function is an established disease mechanism (p.Asp458SerfsTer4) (PVS1). The variant is absent in gnomAD v2.1.1. (PM2_Supporting). In summary, this variant meets criteria to be classified as pathogenic for creatine transporter deficiency. SLC6A8-specific criteria applied, as specified by the ClinGen CCDS VCEP (Specifications Version 1.1.0): PVS1, PM2_Supporting, PP4. (Classification approved by the ClinGen CCDS VCEP on March 25, 2024).

NM_005629.4(SLC6A8):c.1372_1375del (p.Asp458fs)

Gene: SLC6A8 (solute carrier family 6 member 8; plus strand). Cytogenetic location: Xq28.
Variant type: Deletion.
Coding change: c.1372_1375del on transcript NM_005629.4 (MANE Select); coding-DNA positions 1372 to 1375, 4 bases deleted (GATC; older notation c.1372_1375delGATC).
Protein change: p.Asp458fs; shifts the reading frame from aspartic acid 458.
Molecular consequence: frameshift variant.
Genome position (GRCh38, 1-based): chrX:153,694,247-153,694,250, GATC deleted; deleting any 4 consecutive bases within chrX:153,694,244-153,694,250 gives the same sequence; the c. name uses the placement nearest the transcript's 3' end. VCF-style (leftmost placement, unchanged base first): chrX-153694243-CATCG-C. GRCh37 (hg19) VCF-style: chrX-152959698-CATCG-C.
Other names: NM_001142805.2:c.1342_1345del; c.1342_1345del, p.Asp448fs (NM_001142805.2); c.1027_1030del, p.Asp343fs (NM_001142806.1); short protein forms D343fs, D448fs, D458fs.
Identifiers: ClinVar variation 3066452 (VCV003066452.1), dbSNP rs2522166710, ClinGen allele CA2582121175.